The following is an entry in ClinVar:

NM_001278.5(CHUK):c.1535A>G (p.Lys512Arg)

Gene: CHUK (component of inhibitor of nuclear factor kappa B kinase complex; minus strand). Cytogenetic location: 10q24.31.
Variant type: single nucleotide variant.
Coding change: c.1535A>G on transcript NM_001278.5 (MANE Select); coding-DNA position 1535, A replaced by G.
Protein change: p.Lys512Arg; replaces lysine 512 with arginine.
Molecular consequence: missense variant.
Genome position (GRCh38, 1-based): chr10:100,202,122, T>C on the plus strand (A>G on the coding strand, the complement: CHUK is on the minus strand). VCF-style: chr10-100202122-T-C. GRCh37 (hg19) VCF-style: chr10-101961879-T-C.
Other names: c.1535A>G, p.Lys512Arg (NM_001320928.2); c.1535A>G (NM_001278.3); short protein forms K512R.
Identifiers: ClinVar variation 1447143 (VCV001447143.4), dbSNP rs368462852, ClinGen allele CA5646426.

ClinVar aggregate classification (germline): Uncertain significance. Review status: criteria provided, multiple submitters, no conflicts (2 of 4 stars). 2 submissions from 2 submitters: Uncertain significance (2). Last evaluated 2022-07-12.

Conditions:
Inborn genetic diseases. Identifiers: MedGen C0950123, MeSH D030342.

Allele frequency attached by ClinVar (database versions not stated): gnomAD exomes 0.00001 and 0.00003; ExAC 0.00004; ESP Exome Variant Server 0.00008; gnomAD 0.00014 and 0.00016; TOPMed 0.00017; 1000 Genomes Project 0.00020; 1000 Genomes Project 30x 0.00031.
gnomAD v4.1: 42 of 1,612,678 alleles (0.0026%); highest among the groups gnomAD compares: African/African-American, 0.04%; no homozygotes.

Submissions (2):

Labcorp Genetics (formerly Invitae), Labcorp
Classification: Uncertain significance. Last evaluated: 2022-07-12. Review status: criteria provided, single submitter. Criteria: Invitae Variant Classification Sherloc (09022015). Collection method: clinical testing. Allele origin: germline.
Comment: This sequence change replaces lysine with arginine at codon 512 of the CHUK protein (p.Lys512Arg). The lysine residue is moderately conserved and there is a small physicochemical difference between lysine and arginine. This variant is present in population databases (rs368462852, gnomAD 0.03%). This variant has not been reported in the literature in individuals affected with CHUK-related conditions. ClinVar contains an entry for this variant (Variation ID: 1447143). Algorithms developed to predict the effect of missense changes on protein structure and function are either unavailable or do not agree on the potential impact of this missense change (SIFT: "Not Available"; PolyPhen-2: "Benign"; Align-GVGD: "Not Available"). In summary, the available evidence is currently insufficient to determine the role of this variant in disease. Therefore, it has been classified as a Variant of Uncertain Significance.

Ambry Genetics
Classification: Uncertain significance for Inborn genetic diseases. Last evaluated: 2021-08-17. Review status: criteria provided, single submitter. Criteria: Ambry Variant Classification Scheme 2023. Collection method: clinical testing. Allele origin: germline.